The following is an entry in ClinVar:

ClinVar aggregate classification (germline): Uncertain significance (1 of 4 stars; one submission).

Allele frequency attached by ClinVar (database versions not stated): gnomAD exomes below 0.00001 and 0.00001; ExAC 0.00001.
gnomAD v4.1: 2 of 1,611,748 alleles (0.00012%); highest among the groups gnomAD compares: Non-Finnish European, 0.00017%; no homozygotes.

Submission:

Labcorp Genetics (formerly Invitae), Labcorp
Classification: Uncertain significance. Last evaluated: 2026-01-05. Review status: criteria provided, single submitter. Criteria: Invitae Variant Classification Sherloc (09022015). Collection method: clinical testing. Allele origin: germline.
Comment: This sequence change replaces arginine, which is basic and polar, with serine, which is neutral and polar, at codon 106 of the ZNF513 protein (p.Arg106Ser). This variant is present in population databases (rs764492202, gnomAD 0.0009%). This variant has not been reported in the literature in individuals affected with ZNF513-related conditions. ClinVar contains an entry for this variant (Variation ID: 1023490). An algorithm developed to predict the effect of missense changes on protein structure and function (PolyPhen-2) suggests that this variant is likely to be tolerated. In summary, the available evidence is currently insufficient to determine the role of this variant in disease. Therefore, it has been classified as a Variant of Uncertain Significance.

NM_144631.6(ZNF513):c.318G>C (p.Arg106Ser)

Gene: ZNF513 (zinc finger protein 513; minus strand). Cytogenetic location: 2p23.3.
Variant type: single nucleotide variant.
Coding change: c.318G>C on transcript NM_144631.6 (MANE Select); coding-DNA position 318, G replaced by C.
Protein change: p.Arg106Ser; replaces arginine 106 with serine.
Molecular consequence: missense variant.
Genome position (GRCh38, 1-based): chr2:27,378,948, C>G on the plus strand (G>C on the coding strand, the complement: ZNF513 is on the minus strand). VCF-style: chr2-27378948-C-G. GRCh37 (hg19) VCF-style: chr2-27601815-C-G.
Other names: c.132G>C, p.Arg44Ser (NM_001201459.2); short protein forms R106S, R44S.
Identifiers: ClinVar variation 1023490 (VCV001023490.8), dbSNP rs764492202, ClinGen allele CA1578076.